The following is an entry in ClinVar:

NM_000059.4(BRCA2):c.9403C>T (p.Leu3135Phe)

Gene: BRCA2 (BRCA2 DNA repair associated; plus strand). Cytogenetic location: 13q13.1.
Variant type: single nucleotide variant.
Coding change: c.9403C>T on transcript NM_000059.4 (MANE Select); coding-DNA position 9403, C replaced by T.
Protein change: p.Leu3135Phe; replaces leucine 3135 with phenylalanine.
Molecular consequence: missense variant.
Genome position (GRCh38, 1-based): chr13:32,394,835, C>T. VCF-style: chr13-32394835-C-T. GRCh37 (hg19) VCF-style: chr13-32968972-C-T.
Other names: short protein forms L3135F.
Identifiers: ClinVar variation 231858 (VCV000231858.23), dbSNP rs55704151, ClinGen allele CA10577499.

ClinVar aggregate classification (germline): Conflicting classifications of pathogenicity. Review status: criteria provided, conflicting classifications (1 of 4 stars). 8 submissions from 8 submitters: Uncertain significance (6); Likely benign (1). 1 of the submissions does not count toward it. Last evaluated 2025-05-16.

Conditions:
Hereditary cancer-predisposing syndrome. Also called: Hereditary Cancer Syndrome; Neoplastic Syndromes, Hereditary; Tumor predisposition; Hereditary neoplastic syndrome. Identifiers: Orphanet 140162, MedGen C0027672, MeSH D009386, MONDO:0015356.
Breast-ovarian cancer, familial, susceptibility to, 2 (BROVCA2). Also called: BRCA2 Hereditary Breast and Ovarian Cancer. Identifiers: Orphanet 145, MedGen C2675520, MONDO:0012933, OMIM 612555. Disease mechanism: loss of function.
Hereditary breast ovarian cancer syndrome. Also called: Hereditary breast and/or ovarian cancer syndrome; BRCA1- and BRCA2-Associated Hereditary Breast and Ovarian Cancer; Hereditary breast and ovarian cancer syndrome (HBOC); Hereditary breast and ovarian cancer; Hereditary breast and ovarian cancer syndrome; Breast and ovarian cancer. Identifiers: Orphanet 145, MedGen C0677776, MeSH D061325, MONDO:0003582. Disease mechanism: loss of function.
Familial cancer of breast. Also called: Hereditary breast cancer; hereditary breast carcinoma; BREAST CANCER, FAMILIAL. Identifiers: Orphanet 227535, MedGen C0346153, MONDO:0016419, OMIM 114480. Disease mechanism: loss of function.

Allele frequency attached by ClinVar (database versions not stated): gnomAD 0.00001; TOPMed 0.00001.

Submissions (8):

Ambry Genetics
Classification: Likely benign for Hereditary cancer-predisposing syndrome. Last evaluated: 2025-05-16. Review status: criteria provided, single submitter. Criteria: Ambry Variant Classification Scheme 2023. Collection method: clinical testing. Allele origin: germline.

Labcorp Genetics (formerly Invitae), Labcorp
Classification: Uncertain significance for Hereditary breast ovarian cancer syndrome. Last evaluated: 2025-05-07. Review status: criteria provided, single submitter. Criteria: Invitae Variant Classification Sherloc (09022015). Collection method: clinical testing. Allele origin: germline.
Comment: This sequence change replaces leucine, which is neutral and non-polar, with phenylalanine, which is neutral and non-polar, at codon 3135 of the BRCA2 protein (p.Leu3135Phe). This variant is not present in population databases (gnomAD no frequency). This variant has not been reported in the literature in individuals affected with BRCA2-related conditions. ClinVar contains an entry for this variant (Variation ID: 231858). Invitae Evidence Modeling of protein sequence and biophysical properties (such as structural, functional, and spatial information, amino acid conservation, physicochemical variation, residue mobility, and thermodynamic stability) indicates that this missense variant is not expected to disrupt BRCA2 protein function with a negative predictive value of 95%. In summary, the available evidence is currently insufficient to determine the role of this variant in disease. Therefore, it has been classified as a Variant of Uncertain Significance.

Women's Health and Genetics/Laboratory Corporation of America, LabCorp
Classification: Uncertain significance. Last evaluated: 2024-08-29. Review status: criteria provided, single submitter. Criteria: LabCorp Variant Classification Summary - May 2015. Collection method: clinical testing. Allele origin: germline.

Baylor Genetics
Classification: Uncertain significance for Familial cancer of breast. Last evaluated: 2023-10-03. Review status: criteria provided, single submitter. Criteria: ACMG Guidelines, 2015. Collection method: clinical testing. Allele origin: unknown.

All of Us Research Program, National Institutes of Health
Classification: Uncertain significance for Breast-ovarian cancer, familial, susceptibility to, 2. Last evaluated: 2023-05-16. Review status: criteria provided, single submitter. Criteria: ACMG Guidelines, 2015. Collection method: clinical testing. Allele origin: germline. Inheritance: Autosomal dominant inheritance. Observed: 1 variant allele, 1 heterozygote.
Comment: This missense variant replaces leucine with phenylalanine at codon 3135 of the BRCA2 protein. Computational prediction suggests that this variant may not impact protein structure and function (internally defined REVEL score threshold <= 0.5, PMID: 27666373). To our knowledge, functional studies have not been reported for this variant. This variant has been reported in a multifactorial analysis with co-occurrence and family history likelihood ratios for pathogenicity of 1.0498 and 1.1193, respectively (PMID: 31131967). This variant has not been identified in the general population by the Genome Aggregation Database (gnomAD). The available evidence is insufficient to determine the role of this variant in disease conclusively. Therefore, this variant is classified as a Variant of Uncertain Significance.

This study involves interpretation of variants in research participants for the purpose of population health screening. Participant phenotype was not available at the time of variant classification. Additional details can be found in publication PMID: 35346344, PMCID: PMC8962531

Color Diagnostics, LLC DBA Color Health
Classification: Uncertain significance for Hereditary cancer-predisposing syndrome. Last evaluated: 2023-04-28. Review status: criteria provided, single submitter. Criteria: ACMG Guidelines, 2015. Collection method: clinical testing. Allele origin: germline.
Comment: This missense variant replaces leucine with phenylalanine at codon 3135 of the BRCA2 protein. Computational prediction suggests that this variant may not impact protein structure and function (internally defined REVEL score threshold <= 0.5, PMID: 27666373). To our knowledge, functional studies have not been reported for this variant. This variant has been reported in a multifactorial analysis with co-occurrence and family history likelihood ratios for pathogenicity of 1.0498 and 1.1193, respectively (PMID: 31131967). This variant has not been identified in the general population by the Genome Aggregation Database (gnomAD). The available evidence is insufficient to determine the role of this variant in disease conclusively. Therefore, this variant is classified as a Variant of Uncertain Significance.

GeneDx
Classification: Uncertain significance. Last evaluated: 2016-07-26. Review status: criteria provided, single submitter. Criteria: GeneDx Variant Classification (06012015). Collection method: clinical testing. Allele origin: germline. Affected: yes.
Comment: This variant is denoted BRCA2 c.9403C>T at the cDNA level, p.Leu3135Phe (L3135F) at the protein level, and results in the change of a Leucine to a Phenylalanine (CTT>TTT). Using alternate nomenclature, this variant would be defined as BRCA2 9631C>T. This variant has not, to our knowledge, been published in the literature as pathogenic or benign. BRCA2 Leu3135Phe was not observed in approximately 6,500 individuals of European and African American ancestry in the NHLBI Exome Sequencing Project, indicating it is not a common benign variant in these populations. Since Leucine and Phenylalanine share similar properties, this is considered a conservative amino acid substitution. BRCA2 Leu3135Phe occurs at a position where amino acids with properties similar to Leucine are tolerated across species and is located in the DNA binding domain (Yang 2002). In silico analyses are inconsistent regarding the effect this variant may have on protein structure and function. Based on currently available information, it is unclear whether BRCA2 Leu3135Phe is pathogenic or benign. We consider it to be a variant of uncertain significance.

Sharing Clinical Reports Project (SCRP)
Classification: Uncertain significance for Breast-ovarian cancer, familial 2. Last evaluated: 2006-02-28. Review status: no assertion criteria provided. Collection method: clinical testing. Allele origin: germline. Not counted in ClinVar's aggregate classification.

Literature cited by the submitters: PubMed 31131967 (cited by All of Us Research Program, National Institutes of Health and Color Diagnostics, LLC DBA Color Health).